The following is an entry in ClinVar:

ClinVar aggregate classification (germline): Uncertain significance. Review status: criteria provided, multiple submitters, no conflicts (2 of 4 stars). 4 submissions from 4 submitters: Uncertain significance (4). Last evaluated 2025-12-24.

Conditions:
Rhabdoid tumor predisposition syndrome 2 (RTPS2). Identifiers: Orphanet 231108, Orphanet 69077, MedGen C2750074, MONDO:0013224, OMIM 613325.
Hereditary cancer-predisposing syndrome. Also called: Hereditary Cancer Syndrome; Neoplastic Syndromes, Hereditary; Tumor predisposition; Hereditary neoplastic syndrome. Identifiers: Orphanet 140162, MedGen C0027672, MeSH D009386, MONDO:0015356.
Intellectual disability, autosomal dominant 16 (CSS4). Also called: COFFIN-SIRIS SYNDROME 4. Identifiers: Orphanet 1465, MedGen C3553249, MONDO:0013821, OMIM 614609.

Allele frequency attached by ClinVar (database versions not stated): gnomAD 0.00001; gnomAD exomes 0.00001; TOPMed 0.00001.
gnomAD v4.1: 10 of 1,603,318 alleles (0.00062%); highest among the groups gnomAD compares: Non-Finnish European, 0.00085%; no homozygotes.

Submissions (4):

Labcorp Genetics (formerly Invitae), Labcorp
Classification: Uncertain significance for Rhabdoid tumor predisposition syndrome 2. Last evaluated: 2025-12-24. Review status: criteria provided, single submitter. Criteria: Invitae Variant Classification Sherloc (09022015). Collection method: clinical testing. Allele origin: germline.
Comment: This sequence change replaces glycine, which is neutral and non-polar, with arginine, which is basic and polar, at codon 334 of the SMARCA4 protein (p.Gly334Arg). This variant is not present in population databases (gnomAD no frequency). This variant has not been reported in the literature in individuals affected with SMARCA4-related conditions. ClinVar contains an entry for this variant (Variation ID: 480636). Invitae Evidence Modeling of protein sequence and biophysical properties (such as structural, functional, and spatial information, amino acid conservation, physicochemical variation, residue mobility, and thermodynamic stability) indicates that this missense variant is not expected to disrupt SMARCA4 protein function with a negative predictive value of 95%. In summary, the available evidence is currently insufficient to determine the role of this variant in disease. Therefore, it has been classified as a Variant of Uncertain Significance.

Ambry Genetics
Classification: Uncertain significance for Hereditary cancer-predisposing syndrome. Last evaluated: 2025-04-02. Review status: criteria provided, single submitter. Criteria: Ambry Variant Classification Scheme 2023. Collection method: clinical testing. Allele origin: germline.
Comment: The p.G334R variant (also known as c.1000G>A), located in coding exon 5 of the SMARCA4 gene, results from a G to A substitution at nucleotide position 1000. The glycine at codon 334 is replaced by arginine, an amino acid with dissimilar properties. This amino acid position is well conserved in available vertebrate species. In addition, the in silico prediction for this alteration is inconclusive. This variant has been detected in multiple individuals with no reported features of Coffin-Siris syndrome associated disease (Ambry internal data). Based on the supporting evidence, the association of this alteration with rhabdoid tumor predisposition syndrome is unknown; however, the association of this alteration with Coffin-Siris syndrome is unlikely.

GeneDx
Classification: Uncertain significance. Last evaluated: 2023-03-06. Review status: criteria provided, single submitter. Criteria: GeneDx Variant Classification Process June 2021. Collection method: clinical testing. Allele origin: germline. Affected: yes.
Comment: Not observed at significant frequency in large population cohorts (gnomAD); In silico analysis supports that this missense variant does not alter protein structure/function; Has not been previously published as pathogenic or benign to our knowledge

Genome-Nilou Lab
Classification: Uncertain significance for Intellectual disability, autosomal dominant 16. Last evaluated: 2021-07-15. Review status: criteria provided, single submitter. Criteria: ACMG Guidelines, 2015. Collection method: clinical testing. Allele origin: germline. Affected: no.

NM_003072.5(SMARCA4):c.1000G>A (p.Gly334Arg)

Gene: SMARCA4 (SWI/SNF related BAF chromatin remodeling complex subunit ATPase 4; plus strand). Cytogenetic location: 19p13.2.
Variant type: single nucleotide variant.
Coding change: c.1000G>A on transcript NM_003072.5 (MANE Select); coding-DNA position 1000, G replaced by A.
Protein change: p.Gly334Arg; replaces glycine 334 with arginine.
Molecular consequence: missense variant. On other transcripts: non-coding transcript variant (1).
Genome position (GRCh38, 1-based): chr19:10,987,806, G>A. VCF-style: chr19-10987806-G-A. GRCh37 (hg19) VCF-style: chr19-11098482-G-A.
Other names: c.1000G>A, p.Gly334Arg (NM_001128844.3, NM_001128845.2, NM_001128846.2 and 5 more transcripts); short protein forms G334R.
Identifiers: ClinVar variation 480636 (VCV000480636.17), dbSNP rs1364450672, ClinGen allele CA404058608.
Genomic context (GRCh38, chr19:10,987,806, plus strand): 5'-GCGCCCCCTGCCGTCCCACCCGCCGCCTCGCCCGTGATGCCACCGCAGACCCAGTCCCCC[G>A]GGCAGCCGGCCCAGCCCGCGCCCATGGTGCCACTGCACCAGAAGCAGAGCCGCATCACCC-3'
Protein context (NP_003063.2, residues 324-344): PVMPPQTQSP[Gly334Arg]QPAQPAPMVP